The following is an entry in ClinVar:

ClinVar aggregate classification (germline): Benign (0 of 4 stars; one submission).

Conditions:
ZNF804A-related disorder. Also called: ZNF804A-related condition.

Allele frequency attached by ClinVar (database versions not stated): TOPMed 0.14211; ESP Exome Variant Server 0.14344; 1000 Genomes Project 30x 0.15178; gnomAD 0.15200; 1000 Genomes Project 0.15935; ExAC 0.19821; gnomAD exomes 0.20160.
gnomAD v4.1: 313,811 of 1,595,064 alleles (20%); highest among the groups gnomAD compares: South Asian, 27%; 33,189 homozygotes.

Submission:

PreventionGenetics, part of Exact Sciences
Classification: Benign for ZNF804A-related condition. Last evaluated: 2019-11-12. Review status: no assertion criteria provided. Collection method: clinical testing. Allele origin: germline.
Comment: This variant is classified as benign based on ACMG/AMP sequence variant interpretation guidelines (Richards et al. 2015 PMID: 25741868, with internal and published modifications).

NM_194250.2(ZNF804A):c.1794A>G (p.Lys598=)

Gene: ZNF804A (zinc finger protein 804A; plus strand). Cytogenetic location: 2q32.1.
Variant type: single nucleotide variant.
Coding change: c.1794A>G on transcript NM_194250.2 (MANE Select); coding-DNA position 1794, A replaced by G.
Protein change: p.Lys598=; no amino-acid change (lysine 598 retained).
Molecular consequence: synonymous variant.
Genome position (GRCh38, 1-based): chr2:184,937,190, A>G. VCF-style: chr2-184937190-A-G. GRCh37 (hg19) VCF-style: chr2-185801917-A-G.
Identifiers: ClinVar variation 3060253 (VCV003060253.2), dbSNP rs728534, ClinGen allele CA2016027.